The following is an entry in ClinVar:

NM_152564.5(VPS13B):c.6161G>C (p.Ser2054Thr)

Gene: VPS13B (vacuolar protein sorting 13 homolog B; plus strand). Cytogenetic location: 8q22.2.
Variant type: single nucleotide variant.
Coding change: c.6161G>C on transcript NM_152564.5 (MANE Select); coding-DNA position 6161, G replaced by C.
Protein change: p.Ser2054Thr; replaces serine 2054 with threonine.
Molecular consequence: missense variant.
Genome position (GRCh38, 1-based): chr8:99,699,639, G>C. VCF-style: chr8-99699639-G-C. GRCh37 (hg19) VCF-style: chr8-100711867-G-C.
Other names: c.6236G>C, p.Ser2079Thr (NM_017890.5); short protein forms S2054T, S2079T.
Identifiers: ClinVar variation 2174785 (VCV002174785.2), dbSNP rs2491483855, ClinGen allele CA371874381.

ClinVar aggregate classification (germline): Uncertain significance. Review status: criteria provided, multiple submitters, no conflicts (2 of 4 stars). 2 submissions from 2 submitters: Uncertain significance (2). Last evaluated 2022-04-21.

Conditions:
Cohen syndrome (COH1). Also called: PEPPER SYNDROME; Cutis verticis gyrata, retinitis pigmentosa, and sensorineural deafness. Identifiers: Orphanet 193, MedGen C0265223, MONDO:0008999, OMIM 216550.

Submissions (2):

Department of Pathology and Laboratory Medicine, Sinai Health System
Classification: Uncertain significance for Cohen syndrome. Last evaluated: 2022-04-21. Review status: criteria provided, single submitter. Criteria: ACMG Guidelines, 2015. Collection method: research. Allele origin: germline.

Labcorp Genetics (formerly Invitae), Labcorp
Classification: Uncertain significance for Cohen syndrome. Last evaluated: 2021-11-13. Review status: criteria provided, single submitter. Criteria: Invitae Variant Classification Sherloc (09022015). Collection method: clinical testing. Allele origin: germline.
Comment: This sequence change replaces serine, which is neutral and polar, with threonine, which is neutral and polar, at codon 2079 of the VPS13B protein (p.Ser2079Thr). This variant is not present in population databases (gnomAD no frequency). This variant has not been reported in the literature in individuals affected with VPS13B-related conditions. Algorithms developed to predict the effect of missense changes on protein structure and function are either unavailable or do not agree on the potential impact of this missense change (SIFT: "Not Available"; PolyPhen-2: "Benign"; Align-GVGD: "Not Available"). In summary, the available evidence is currently insufficient to determine the role of this variant in disease. Therefore, it has been classified as a Variant of Uncertain Significance.